The following is an entry in ClinVar:

ClinVar aggregate classification (germline): Uncertain significance. Review status: criteria provided, multiple submitters, no conflicts (2 of 4 stars). 2 submissions from 2 submitters: Uncertain significance (2). Last evaluated 2026-08-01.

Conditions:
Inborn genetic diseases. Identifiers: MedGen C0950123, MeSH D030342.

Submissions (2):

CeGaT Center for Human Genetics Tuebingen
Classification: Uncertain significance. Last evaluated: 2026-08-01. Review status: criteria provided, single submitter. Criteria: CeGaT Center For Human Genetics Tuebingen Variant Classification Criteria Version 2. Collection method: clinical testing. Allele origin: germline. Affected: yes. Observed: 1 variant allele.
Comment: F12: PM2, BP4

Ambry Genetics
Classification: Uncertain significance for Inborn genetic diseases. Last evaluated: 2025-08-13. Review status: criteria provided, single submitter. Criteria: Ambry Variant Classification Scheme 2023. Collection method: clinical testing. Allele origin: germline.

NM_000505.4(F12):c.520G>T (p.Ala174Ser)

Gene: F12 (coagulation factor XII; minus strand). Cytogenetic location: 5q35.3.
Variant type: single nucleotide variant.
Coding change: c.520G>T on transcript NM_000505.4 (MANE Select); coding-DNA position 520, G replaced by T.
Protein change: p.Ala174Ser; replaces alanine 174 with serine.
Molecular consequence: missense variant.
Genome position (GRCh38, 1-based): chr5:177,405,063, C>A on the plus strand (G>T on the coding strand, the complement: F12 is on the minus strand). VCF-style: chr5-177405063-C-A. GRCh37 (hg19) VCF-style: chr5-176832064-C-A.
Other names: short protein forms A174S.
Identifiers: ClinVar variation 4252280 (VCV004252280.2).